The following is an entry in ClinVar:

ClinVar aggregate classification (germline): Likely benign (1 of 4 stars; one submission).

Allele frequency attached by ClinVar (database versions not stated): 1000 Genomes Project 30x 0.00109; 1000 Genomes Project 0.00120; TOPMed 0.00315; gnomAD 0.00371; ExAC 0.00411; ESP Exome Variant Server 0.00426.
gnomAD v4.1: 7,206 of 1,610,614 alleles (0.45%); highest among the groups gnomAD compares: Non-Finnish European, 0.55%; 23 homozygotes.

Submission:

CeGaT Center for Human Genetics Tuebingen
Classification: Likely benign. Last evaluated: 2023-02-01. Review status: criteria provided, single submitter. Criteria: CeGaT Center For Human Genetics Tuebingen Variant Classification Criteria Version 2. Collection method: clinical testing. Allele origin: germline. Affected: yes. Observed: 1 variant allele.
Comment: PCDHB2: BS2

NM_018936.4(PCDHB2):c.1909G>A (p.Ala637Thr)

Genes: PCDHB2 (protocadherin beta 2; plus strand), PCDHB@ (protocadherin beta cluster; plus strand). Cytogenetic location: 5q31.3.
Variant type: single nucleotide variant.
Coding change: c.1909G>A on transcript NM_018936.4 (MANE Select); coding-DNA position 1909, G replaced by A.
Protein change: p.Ala637Thr; replaces alanine 637 with threonine.
Molecular consequence: missense variant.
Genome position (GRCh38, 1-based): chr5:141,096,699, G>A. VCF-style: chr5-141096699-G-A. GRCh37 (hg19) VCF-style: chr5-140476283-G-A.
Other names: short protein forms A637T.
Identifiers: ClinVar variation 2655806 (VCV002655806.24), dbSNP rs148561261, ClinGen allele CA3455493.
Genomic context (GRCh38, chr5:141,096,699, plus strand): 5'-TTCGGCGTGTGGGCGCACAATGGCGAGGTGCGCACCGCCAGGCTGCTGAGGGAGCGCGAC[G>A]CTGCCAAGCAGAGGCTGGTGGTGCTGGTCAAGGACAATGGCGAGCCTCCGCGCTCGGCCA-3'
Protein context (NP_061759.1, residues 627-647): RTARLLRERD[Ala637Thr]AKQRLVVLVK